The following is an entry in ClinVar:

ClinVar aggregate classification (germline): Uncertain significance (1 of 4 stars; one submission).

Conditions:
EGFR-related lung cancer (EGFR). Identifiers: MedGen CN130014.

Submission:

Labcorp Genetics (formerly Invitae), Labcorp
Classification: Uncertain significance for EGFR-related lung cancer. Last evaluated: 2023-05-02. Review status: criteria provided, single submitter. Criteria: Invitae Variant Classification Sherloc (09022015). Collection method: clinical testing. Allele origin: germline.
Comment: This sequence change replaces lysine, which is basic and polar, with arginine, which is basic and polar, at codon 1182 of the EGFR protein (p.Lys1182Arg). This variant is not present in population databases (gnomAD no frequency). This variant has not been reported in the literature in individuals affected with EGFR-related conditions. ClinVar contains an entry for this variant (Variation ID: 1477466). Algorithms developed to predict the effect of missense changes on protein structure and function output the following: SIFT: "Not Available"; PolyPhen-2: "Benign"; Align-GVGD: "Not Available". The arginine amino acid residue is found in multiple mammalian species, which suggests that this missense change does not adversely affect protein function. In summary, the available evidence is currently insufficient to determine the role of this variant in disease. Therefore, it has been classified as a Variant of Uncertain Significance.

NM_005228.5(EGFR):c.3545A>G (p.Lys1182Arg)

Gene: EGFR (epidermal growth factor receptor; plus strand). Cytogenetic location: 7p11.2.
Variant type: single nucleotide variant.
Coding change: c.3545A>G on transcript NM_005228.5 (MANE Select); coding-DNA position 3545, A replaced by G.
Protein change: p.Lys1182Arg; replaces lysine 1182 with arginine.
Molecular consequence: missense variant.
Genome position (GRCh38, 1-based): chr7:55,205,529, A>G. VCF-style: chr7-55205529-A-G. GRCh37 (hg19) VCF-style: chr7-55273222-A-G.
Other names: c.3410A>G, p.Lys1137Arg (NM_001346899.2); c.3386A>G, p.Lys1129Arg (NM_001346900.2); c.2744A>G, p.Lys915Arg (NM_001346941.2); short protein forms K1129R, K1137R, K1182R, K915R.
Identifiers: ClinVar variation 1477466 (VCV001477466.6), dbSNP rs2128975553, ClinGen allele CA367584865.
Genomic context (GRCh38, chr7:55,205,529, plus strand): 5'-GCCACCAAATTAGCCTGGACAACCCTGACTACCAGCAGGACTTCTTTCCCAAGGAAGCCA[A>G]GCCAAATGGCATCTTTAAGGGCTCCACAGCTGAAAATGCAGAATACCTAAGGGTCGCGCC-3'
Protein context (NP_005219.2, residues 1172-1192): YQQDFFPKEA[Lys1182Arg]PNGIFKGSTA